The following is an entry in ClinVar:

ClinVar aggregate classification (germline): Likely benign (1 of 4 stars; one submission).

Conditions:
EDNRB-related disorder. Also called: EDNRB-related condition; EDNRB-related disorders.

gnomAD v4.1: 47 of 1,612,002 alleles (0.0029%); highest among the groups gnomAD compares: South Asian, 0.049%; no homozygotes.

Submission:

PreventionGenetics, part of Exact Sciences
Classification: Likely benign for EDNRB-related condition. Last evaluated: 2025-11-11. Review status: criteria provided, single submitter. Criteria: ACMG Guidelines, 2015. Collection method: clinical testing. Allele origin: germline.
Comment: This variant is classified as likely benign based on ACMG/AMP sequence variant interpretation guidelines (Richards et al. 2015 PMID: 25741868, with internal and published modifications).

NM_001122659.3(EDNRB):c.484-6A>T

Genes: EDNRB (endothelin receptor type B; minus strand), EDNRB-AS1 (EDNRB antisense RNA 1; plus strand). Cytogenetic location: 13q22.3.
Variant type: single nucleotide variant.
Coding change: c.484-6A>T on transcript NM_001122659.3 (MANE Select); 6 bases into the intron before coding-DNA position 484, A replaced by T.
Molecular consequence: intron variant.
Genome position (GRCh38, 1-based): chr13:77,903,613, T>A on the plus strand (A>T on the coding strand, the complement: EDNRB is on the minus strand). VCF-style: chr13-77903613-T-A. GRCh37 (hg19) VCF-style: chr13-78477748-T-A.
Other names: c.484-6A>T (NM_000115.5, NM_003991.4); c.754-6A>T (NM_001201397.2).
Identifiers: ClinVar variation 4987525 (VCV004987525.1).